The following is an entry in ClinVar:

ClinVar aggregate classification (germline): Uncertain significance (1 of 4 stars; one submission).

Allele frequency attached by ClinVar (database versions not stated): ExAC 0.00004; 1000 Genomes Project 30x 0.00016; TOPMed below 0.00001; gnomAD exomes 0.00004 and 0.00002; gnomAD 0.00001; 1000 Genomes Project 0.00020.
gnomAD v4.1: 12 of 1,602,800 alleles (0.00075%); highest among the groups gnomAD compares: Admixed American, 0.019%; no homozygotes.

Submission:

Labcorp Genetics (formerly Invitae), Labcorp
Classification: Uncertain significance. Last evaluated: 2025-11-23. Review status: criteria provided, single submitter. Criteria: Invitae Variant Classification Sherloc (09022015). Collection method: clinical testing. Allele origin: germline.
Comment: This sequence change replaces glutamine, which is neutral and polar, with lysine, which is basic and polar, at codon 361 of the BACH2 protein (p.Gln361Lys). This variant is present in population databases (rs138976646, gnomAD 0.03%). This variant has not been reported in the literature in individuals affected with BACH2-related conditions. ClinVar contains an entry for this variant (Variation ID: 1495497). Invitae Evidence Modeling of protein sequence and biophysical properties (such as structural, functional, and spatial information, amino acid conservation, physicochemical variation, residue mobility, and thermodynamic stability) indicates that this missense variant is not expected to disrupt BACH2 protein function with a negative predictive value of 80%. In summary, the available evidence is currently insufficient to determine the role of this variant in disease. Therefore, it has been classified as a Variant of Uncertain Significance.

NM_021813.4(BACH2):c.1081C>A (p.Gln361Lys)

Gene: BACH2 (BACH transcriptional regulator 2; minus strand). Cytogenetic location: 6q15.
Variant type: single nucleotide variant.
Coding change: c.1081C>A on transcript NM_021813.4 (MANE Select); coding-DNA position 1081, C replaced by A.
Protein change: p.Gln361Lys; replaces glutamine 361 with lysine.
Molecular consequence: missense variant.
Genome position (GRCh38, 1-based): chr6:89,951,025, G>T on the plus strand (C>A on the coding strand, the complement: BACH2 is on the minus strand). VCF-style: chr6-89951025-G-T. GRCh37 (hg19) VCF-style: chr6-90660744-G-T.
Other names: c.1081C>A, p.Gln361Lys (NM_001170794.2); short protein forms Q361K.
Identifiers: ClinVar variation 1495497 (VCV001495497.6), dbSNP rs138976646, ClinGen allele CA3928050.